The following is an entry in ClinVar:

NM_152296.5(ATP1A3):c.2788C>T (p.Arg930Trp)

Gene: ATP1A3 (ATPase Na+/K+ transporting subunit alpha 3; minus strand). Cytogenetic location: 19q13.2.
Variant type: single nucleotide variant.
Coding change: c.2788C>T on transcript NM_152296.5 (MANE Select); coding-DNA position 2788, C replaced by T.
Protein change: p.Arg930Trp; replaces arginine 930 with tryptophan.
Molecular consequence: missense variant.
Genome position (GRCh38, 1-based): chr19:41,968,816, G>A on the plus strand (C>T on the coding strand, the complement: ATP1A3 is on the minus strand). VCF-style: chr19-41968816-G-A. GRCh37 (hg19) VCF-style: chr19-42472968-G-A.
Other names: c.2821C>T, p.Arg941Trp (NM_001256213.2); c.2827C>T, p.Arg943Trp (NM_001256214.2); short protein forms R930W, R941W, R943W.
Identifiers: ClinVar variation 493262 (VCV000493262.44), dbSNP rs1555859150, ClinGen allele CA406035882.

ClinVar aggregate classification (germline): Conflicting classifications of pathogenicity. Review status: criteria provided, conflicting classifications (1 of 4 stars). 2 submissions from 2 submitters: Likely pathogenic (1); Uncertain significance (1). Last evaluated 2024-08-01.

Conditions:
Dystonia 12 (DYT12). Also called: DYT-ATP1A3; Rapid-Onset Dystonia-Parkinsonism (RDP). Identifiers: Orphanet 71517, MedGen C1868681, MONDO:0007496, OMIM 128235.

Submissions (2):

CeGaT Center for Human Genetics Tuebingen
Classification: Likely pathogenic. Last evaluated: 2024-08-01. Review status: criteria provided, single submitter. Criteria: CeGaT Center For Human Genetics Tuebingen Variant Classification Criteria Version 2. Collection method: clinical testing. Allele origin: germline. Affected: yes. Observed: 1 variant allele.
Comment: ATP1A3: PM1, PM2, PS4:Moderate, PM6:Supporting, PP2, PP3

Laboratorio de Genetica e Diagnostico Molecular, Hospital Israelita Albert Einstein
Classification: Uncertain significance for Dystonia 12. Last evaluated: 2022-07-12. Review status: criteria provided, single submitter. Criteria: ACMG Guidelines, 2015. Collection method: clinical testing. Allele origin: germline. Affected: yes. Observed: 1 variant allele.
Comment: ACMG classification criteria: PS4 supporting, PM2 moderated, PP3 supporting